The following is an entry in ClinVar:

NM_016122.3(CEP83):c.1988C>T (p.Pro663Leu)

Gene: CEP83 (centrosomal protein 83; minus strand). Cytogenetic location: 12q22.
Variant type: single nucleotide variant.
Coding change: c.1988C>T on transcript NM_016122.3 (MANE Select); coding-DNA position 1988, C replaced by T.
Protein change: p.Pro663Leu; replaces proline 663 with leucine.
Molecular consequence: missense variant. On other transcripts: non-coding transcript variant (2).
Genome position (GRCh38, 1-based): chr12:94,309,931, G>A on the plus strand (C>T on the coding strand, the complement: CEP83 is on the minus strand). VCF-style: chr12-94309931-G-A. GRCh37 (hg19) VCF-style: chr12-94703707-G-A.
Other names: c.1988C>T, p.Pro663Leu (NM_001042399.2, NM_001346457.2, NM_001368037.1 and 1 more transcripts); c.1676C>T, p.Pro559Leu (NM_001346458.2, NM_001346459.2, NM_001368039.1 and 1 more transcripts); c.1763C>T, p.Pro588Leu (NM_001368041.1); short protein forms P559L, P588L, P663L.
Identifiers: ClinVar variation 2004702 (VCV002004702.4), dbSNP rs2541063871, ClinGen allele CA386046201.
Genomic context (GRCh38, chr12:94,309,931, plus strand): 5'-ACAAAAATGTACGACTTTTTTTTTCCCCCTAAAATAAATGCTCATACCTGCATATGAGGA[G>A]GAAATGGTAGTTCCATGCTTGGAACCATGGCTGATGACTGAAAGCTAACAGGATTGATAG-3'
Protein context (NP_057206.2, residues 653-673): AMVPSMELPF[Pro663Leu]PHMQEEQHQR

ClinVar aggregate classification (germline): Uncertain significance (1 of 4 stars; one submission).

Conditions:
Nephronophthisis 18 (NPHP18). Identifiers: Orphanet 655, MedGen C3890591, MONDO:0014374, OMIM 615862.

Allele frequency attached by ClinVar (database versions not stated): gnomAD exomes below 0.00001.
gnomAD v4.1: 1 of 1,582,902 alleles (0.000063%); highest among the groups gnomAD compares: Non-Finnish European, 0.000086%; no homozygotes.

Submission:

Labcorp Genetics (formerly Invitae), Labcorp
Classification: Uncertain significance for Nephronophthisis 18. Last evaluated: 2022-06-13. Review status: criteria provided, single submitter. Criteria: Invitae Variant Classification Sherloc (09022015). Collection method: clinical testing. Allele origin: germline.
Comment: In summary, the available evidence is currently insufficient to determine the role of this variant in disease. Therefore, it has been classified as a Variant of Uncertain Significance. Algorithms developed to predict the effect of missense changes on protein structure and function are either unavailable or do not agree on the potential impact of this missense change (SIFT: "Not Available"; PolyPhen-2: "Probably Damaging"; Align-GVGD: "Not Available"). This variant has not been reported in the literature in individuals affected with CEP83-related conditions. This variant is not present in population databases (gnomAD no frequency). This sequence change replaces proline, which is neutral and non-polar, with leucine, which is neutral and non-polar, at codon 663 of the CEP83 protein (p.Pro663Leu).